The following is an entry in ClinVar:

ClinVar aggregate classification (germline): Uncertain significance (1 of 4 stars; one submission).

gnomAD v4.1: 3 of 1,574,310 alleles (0.00019%); highest among the groups gnomAD compares: East Asian, 0.0024%; no homozygotes.

Submission:

Labcorp Genetics (formerly Invitae), Labcorp
Classification: Uncertain significance. Last evaluated: 2024-10-22. Review status: criteria provided, single submitter. Criteria: Invitae Variant Classification Sherloc (09022015). Collection method: clinical testing. Allele origin: germline.
Comment: This sequence change falls in intron 1 of the SMARCB1 gene. It does not directly change the encoded amino acid sequence of the SMARCB1 protein. It affects a nucleotide within the consensus splice site. This variant is not present in population databases (gnomAD no frequency). This variant has not been reported in the literature in individuals affected with SMARCB1-related conditions. Variants that disrupt the consensus splice site are a relatively common cause of aberrant splicing (PMID: 17576681, 9536098). RNA analysis provides insufficient evidence to determine the effect of this variant on SMARCB1 splicing (internal data). In summary, the available evidence is currently insufficient to determine the role of this variant in disease. Therefore, it has been classified as a Variant of Uncertain Significance.

Literature cited by the submitters: PubMed 17576681; PubMed 9536098.

NM_003073.5(SMARCB1):c.93+4G>T

Gene: SMARCB1 (SWI/SNF related BAF chromatin remodeling complex subunit B1; plus strand). Cytogenetic location: 22q11.23.
Variant type: single nucleotide variant.
Coding change: c.93+4G>T on transcript NM_003073.5 (MANE Select); 4 bases into the intron after coding-DNA position 93, G replaced by T.
Molecular consequence: intron variant.
Genome position (GRCh38, 1-based): chr22:23,787,266, G>T. VCF-style: chr22-23787266-G-T. GRCh37 (hg19) VCF-style: chr22-24129453-G-T.
Other names: c.93+4G>T (NM_001362877.2, NM_001317946.2, NM_001007468.3).
Identifiers: ClinVar variation 3723503 (VCV003723503.2).
Genomic context (GRCh38, chr22:23,787,266, plus strand): 5'-AAGCCCGTGAAGTTCCAGCTGGAGGACGACGGCGAGTTCTACATGATCGGCTCCGAGGTA[G>T]CCCGGGGCGCGTTCTCGCCCTCCCCGGGCTCGGCCCCGCGGGAGCCCCGGGGCGGGCCCA-3'